The following is an entry in ClinVar:

NM_015896.4(ZMYND10):c.359T>C (p.Val120Ala)

Gene: ZMYND10 (zinc finger MYND-type containing 10; minus strand). Cytogenetic location: 3p21.31.
Variant type: single nucleotide variant.
Coding change: c.359T>C on transcript NM_015896.4 (MANE Select); coding-DNA position 359, T replaced by C.
Protein change: p.Val120Ala; replaces valine 120 with alanine.
Molecular consequence: missense variant.
Genome position (GRCh38, 1-based): chr3:50,343,576, A>G on the plus strand (T>C on the coding strand, the complement: ZMYND10 is on the minus strand). VCF-style: chr3-50343576-A-G. GRCh37 (hg19) VCF-style: chr3-50381007-A-G.
Other names: c.359T>C, p.Val120Ala (NM_001308379.2); short protein forms V120A.
Identifiers: ClinVar variation 665941 (VCV000665941.6), dbSNP rs1575555288, ClinGen allele CA352943373.
Genomic context (GRCh38, chr3:50,343,576, plus strand): 5'-AGGCCCTGACCCGGAACTGTGGCCCATGGGCAGAGATAGTCCCTCACCTTGTGGAAGAAC[A>G]CTGTCTCCAAGAGGTTGATGATGGAGGCCTCGTGGTGCACCTGTCAGATAAAGAGAAGGA-3'
Protein context (NP_056980.2, residues 110-130): EASIINLLET[Val120Ala]FFHKEVCESA

ClinVar aggregate classification (germline): Uncertain significance (1 of 4 stars; one submission).

Conditions:
Primary ciliary dyskinesia. Also called: Ciliary dyskinesia. Identifiers: Orphanet 244, MedGen C0008780, MONDO:0016575, HP:0012265.

Submission:

Labcorp Genetics (formerly Invitae), Labcorp
Classification: Uncertain significance for Primary ciliary dyskinesia. Last evaluated: 2020-02-29. Review status: criteria provided, single submitter. Criteria: Invitae Variant Classification Sherloc (09022015). Collection method: clinical testing. Allele origin: germline.
Comment: This variant has not been reported in the literature in individuals with ZMYND10-related disease. This variant is not present in population databases (ExAC no frequency). This sequence change replaces valine with alanine at codon 120 of the ZMYND10 protein (p.Val120Ala). The valine residue is moderately conserved and there is a small physicochemical difference between valine and alanine. In summary, the available evidence is currently insufficient to determine the role of this variant in disease. Therefore, it has been classified as a Variant of Uncertain Significance. Algorithms developed to predict the effect of missense changes on protein structure and function (SIFT, PolyPhen-2, Align-GVGD) all suggest that this variant is likely to be tolerated, but these predictions have not been confirmed by published functional studies and their clinical significance is uncertain.